The following is an entry in ClinVar:

NM_000733.4(CD3E):c.428del (p.Gly143fs)

Gene: CD3E (CD3 epsilon subunit of T-cell receptor complex; plus strand). Cytogenetic location: 11q23.3.
Variant type: Deletion.
Coding change: c.428del on transcript NM_000733.4 (MANE Select); coding-DNA position 428, one base deleted (G; older notation c.428delG).
Protein change: p.Gly143fs; shifts the reading frame from glycine 143.
Molecular consequence: frameshift variant.
Genome position (GRCh38, 1-based): chr11:118,313,782, G deleted; the last of 5 consecutive G bases (chr11:118,313,778-118,313,782); deleting any one gives the same sequence. VCF-style (leftmost placement, unchanged base first): chr11-118313777-TG-T. GRCh37 (hg19) VCF-style: chr11-118184492-TG-T.
Other names: short protein forms G143fs.
Identifiers: ClinVar variation 2735763 (VCV002735763.3), dbSNP rs1213870519, ClinGen allele CA672340837.
Genomic context (GRCh38, chr11:118,313,777, plus strand): 5'-CTGCATGGAGATGGATGTGATGTCGGTGGCCACAATTGTCATAGTGGACATCTGCATCAC[TG>T]GGGGCTTGCTGCTGCTGGTTTACTACTGGAGCAAGAATAGAAAGGCCAAGGCCAAGCCTG-3'

ClinVar aggregate classification (germline): Pathogenic (1 of 4 stars; one submission).

Conditions:
Immunodeficiency 18 (IMD18). Also called: CD3epsilon deficiency; CD3-EPSILON DEFICIENCY. Identifiers: MedGen C3810127, MONDO:0014278, OMIM 615615.

Submission:

Labcorp Genetics (formerly Invitae), Labcorp
Classification: Pathogenic for Immunodeficiency 18. Last evaluated: 2023-04-09. Review status: criteria provided, single submitter. Criteria: Invitae Variant Classification Sherloc (09022015). Collection method: clinical testing. Allele origin: germline.
Comment: For these reasons, this variant has been classified as Pathogenic. This variant has not been reported in the literature in individuals affected with CD3E-related conditions. This variant is not present in population databases (gnomAD no frequency). This sequence change creates a premature translational stop signal (p.Gly143Alafs*20) in the CD3E gene. It is expected to result in an absent or disrupted protein product. Loss-of-function variants in CD3E are known to be pathogenic (PMID: 8490660, 15546002).

Literature cited by the submitters: PubMed 8490660; PubMed 15546002.